The following is an entry in ClinVar:

NM_001170629.2(CHD8):c.2866_2868delinsAGTA (p.Arg956fs)

Gene: CHD8 (chromodomain helicase DNA binding protein 8; minus strand). Cytogenetic location: 14q11.2.
Variant type: Indel.
Coding change: c.2866_2868delinsAGTA on transcript NM_001170629.2 (MANE Select); coding-DNA positions 2866 to 2868, CGT replaced by AGTA.
Protein change: p.Arg956fs; shifts the reading frame from arginine 956.
Molecular consequence: frameshift variant.
Genome position (GRCh38, 1-based): chr14:21,406,895-21,406,897, ACG replaced by TACT on the plus strand (CGT replaced by AGTA on the coding strand, the reverse complement: CHD8 is on the minus strand). VCF-style: chr14-21406895-ACG-TACT. GRCh37 (hg19) VCF-style: chr14-21875054-ACG-TACT.
Other names: c.2029_2031delinsAGTA, p.Arg677fs (NM_020920.4); short protein forms R677fs, R956fs.
Identifiers: ClinVar variation 817866 (VCV000817866.1), dbSNP rs1594349020, ClinGen allele CA915948881.

ClinVar aggregate classification (germline): Likely pathogenic (1 of 4 stars; one submission).

Submission:

GeneDx
Classification: Likely pathogenic. Last evaluated: 2018-10-11. Review status: criteria provided, single submitter. Criteria: GeneDx Variant Classification (06012015). Collection method: clinical testing. Allele origin: germline. Affected: yes.
Comment: The c.2866_2870delCGTAAinsAGTAAA variant in the CHD8 gene has not been reported previously as a pathogenic variant nor as a benign variant, to our knowledge. The c.2866_2870delCGTAAinsAGTAAA variant causes a frameshift starting with codon Arginine 956, changes this amino acid to a Serine residue, and creates a premature Stop codon at position 7 of the new reading frame, denoted p.Arg956SerfsX7. This variant is predicted to cause loss of normal protein function either through protein truncation or nonsense-mediated mRNA decay. The c.2866_2870delCGTAAinsAGTAAA variant is not observed in large population cohorts (Lek et al., 2016). We interpret c.2866_2870delCGTAAinsAGTAAA as a likely pathogenic variant.